The following is an entry in ClinVar:

NM_000179.3(MSH6):c.557A>C (p.Asp186Ala)

Gene: MSH6 (mutS homolog 6; plus strand). Cytogenetic location: 2p16.3.
Variant type: single nucleotide variant.
Coding change: c.557A>C on transcript NM_000179.3 (MANE Select); coding-DNA position 557, A replaced by C.
Protein change: p.Asp186Ala; replaces aspartic acid 186 with alanine.
Molecular consequence: missense variant. On other transcripts: 5 prime UTR variant (2), non-coding transcript variant (5), intron variant (8).
Genome position (GRCh38, 1-based): chr2:47,795,993, A>C. VCF-style: chr2-47795993-A-C. GRCh37 (hg19) VCF-style: chr2-48023132-A-C.
Other names: c.-346A>C (NM_001281494.2); c.653A>C, p.Asp218Ala (NM_001406795.1, NM_001406802.1); c.557A>C, p.Asp186Ala (NM_001406796.1, NM_001406798.1, NM_001406800.1 and 5 more transcripts); c.260A>C, p.Asp87Ala (NM_001406797.1, NM_001406801.1, NM_001406805.1 and 10 more transcripts); c.32A>C, p.Asp11Ala (NM_001406799.1, NM_001406806.1, NM_001406807.1); c.479A>C, p.Asp160Ala (NM_001406804.1); c.563A>C, p.Asp188Ala (NM_001406813.1); c.-438A>C (NM_001406814.1); and 3 more; short protein forms D11A, D130A, D160A, D186A, D188A, D218A, D87A.
Identifiers: ClinVar variation 3387055 (VCV003387055.1).
Genomic context (GRCh38, chr2:47,795,993, plus strand): 5'-ACAGTGCAAAGCCTGAAATACTGAGAGCAATGCAACGTGCAGATGAAGCCTTAAATAAAG[A>C]CAAGATTAAGAGGCTTGAATTGGCAGTTTGTGATGAGCCCTCAGAGCCAGAAGAGGAAGA-3'
Protein context (NP_000170.1, residues 176-196): MQRADEALNK[Asp186Ala]KIKRLELAVC

ClinVar aggregate classification (germline): Uncertain significance (1 of 4 stars; one submission).

Conditions:
Lynch syndrome. Identifiers: Orphanet 144, MedGen C4552100, MONDO:0005835. Disease mechanism: loss of function.

Submission:

All of Us Research Program, National Institutes of Health
Classification: Uncertain significance for Lynch syndrome. Last evaluated: 2024-02-22. Review status: criteria provided, single submitter. Criteria: ACMG Guidelines, 2015. Collection method: clinical testing. Allele origin: germline. Inheritance: Autosomal dominant inheritance. Observed: 1 variant allele, 1 heterozygote.
Comment: This missense variant replaces aspartic acid with alanine at codon 186 of the MSH6 protein. Computational prediction suggests that this variant may not impact protein structure and function (internally defined REVEL score threshold <= 0.5, PMID: 27666373). To our knowledge, functional studies have not been reported for this variant. This variant has not been reported in individuals affected with MSH6-related disorders in the literature. This variant has not been identified in the general population by the Genome Aggregation Database (gnomAD). The available evidence is insufficient to determine the role of this variant in disease conclusively. Therefore, this variant is classified as a Variant of Uncertain Significance.

This study involves interpretation of variants in research participants for the purpose of population health screening. Participant phenotype was not available at the time of variant classification. Additional details can be found in publication PMID: 35346344, PMCID: PMC8962531